The following is an entry in ClinVar:

NM_000629.3(IFNAR1):c.789-49A>G

Gene: IFNAR1 (interferon alpha and beta receptor subunit 1; plus strand). Cytogenetic location: 21q22.11.
Variant type: single nucleotide variant.
Coding change: c.789-49A>G on transcript NM_000629.3 (MANE Select); 49 bases into the intron before coding-DNA position 789, A replaced by G.
Molecular consequence: intron variant.
Genome position (GRCh38, 1-based): chr21:33,349,042, A>G. VCF-style: chr21-33349042-A-G. GRCh37 (hg19) VCF-style: chr21-34721348-A-G.
Other names: c.582-49A>G (NM_001384504.1); c.27-49A>G (NM_001384500.1); c.789-49A>G (NM_001384498.1, NM_001384503.1, NM_001384499.1); c.789-64A>G (NM_001384501.1); c.327-49A>G (NM_001384502.1).
Identifiers: ClinVar variation 2688236 (VCV002688236.2), dbSNP rs2834196, ClinGen allele CA10006592.

ClinVar aggregate classification (germline): Benign (1 of 4 stars; one submission).

Allele frequency attached by ClinVar (database versions not stated): 1000 Genomes Project 0.13478; 1000 Genomes Project 30x 0.13741; TOPMed 0.19886; gnomAD 0.21322; ESP Exome Variant Server 0.21403; ExAC 0.21862; gnomAD exomes 0.24607.
gnomAD v4.1: 287,787 of 1,191,842 alleles (24%); highest among the groups gnomAD compares: Non-Finnish European, 27%; 37,343 homozygotes.

Submission:

Unidad de Genómica Garrahan, Hospital de Pediatría Garrahan
Classification: Benign. Last evaluated: 2024-01-24. Review status: criteria provided, single submitter. Criteria: ACMG Guidelines, 2015. Collection method: clinical testing. Allele origin: germline. Affected: no. Observed: 30 variant alleles.
Comment: This variant is classified as Benign based on local population frequency. This variant was detected in 32% of patients studied by a panel of primary immunodeficiencies. Number of patients: 30. Only high quality variants are reported.